The following is an entry in ClinVar:

NM_001384732.1(CPLANE1):c.3392A>G (p.Gln1131Arg)

Gene: CPLANE1 (ciliogenesis and planar polarity effector complex subunit 1; minus strand). Cytogenetic location: 5p13.2.
Variant type: single nucleotide variant.
Coding change: c.3392A>G on transcript NM_001384732.1 (MANE Select); coding-DNA position 3392, A replaced by G.
Protein change: p.Gln1131Arg; replaces glutamine 1131 with arginine.
Molecular consequence: missense variant.
Genome position (GRCh38, 1-based): chr5:37,201,706, T>C on the plus strand (A>G on the coding strand, the complement: CPLANE1 is on the minus strand). VCF-style: chr5-37201706-T-C. GRCh37 (hg19) VCF-style: chr5-37201808-T-C.
Other names: c.3392A>G, p.Gln1131Arg (NM_023073.4); short protein forms Q1131R.
Identifiers: ClinVar variation 2059704 (VCV002059704.3), dbSNP rs1789236434, ClinGen allele CA359513116.

ClinVar aggregate classification (germline): Uncertain significance (1 of 4 stars; one submission).

Allele frequency attached by ClinVar (database versions not stated): gnomAD exomes below 0.00001.

Submission:

Labcorp Genetics (formerly Invitae), Labcorp
Classification: Uncertain significance. Last evaluated: 2022-07-11. Review status: criteria provided, single submitter. Criteria: Invitae Variant Classification Sherloc (09022015). Collection method: clinical testing. Allele origin: germline.
Comment: In summary, the available evidence is currently insufficient to determine the role of this variant in disease. Therefore, it has been classified as a Variant of Uncertain Significance. Advanced modeling of protein sequence and biophysical properties (such as structural, functional, and spatial information, amino acid conservation, physicochemical variation, residue mobility, and thermodynamic stability) performed at Invitae indicates that this missense variant is not expected to disrupt CPLANE1 protein function. This variant has not been reported in the literature in individuals affected with CPLANE1-related conditions. This variant is not present in population databases (gnomAD no frequency). This sequence change replaces glutamine, which is neutral and polar, with arginine, which is basic and polar, at codon 1131 of the CPLANE1 protein (p.Gln1131Arg).